The following is an entry in ClinVar:

NM_022489.4(INF2):c.3694+5C>T

Gene: INF2 (inverted formin 2; plus strand). Cytogenetic location: 14q32.33.
Variant type: single nucleotide variant.
Coding change: c.3694+5C>T on transcript NM_022489.4 (MANE Select); 5 bases into the intron after coding-DNA position 3694, C replaced by T.
Molecular consequence: intron variant.
Genome position (GRCh38, 1-based): chr14:104,714,861, C>T. VCF-style: chr14-104714861-C-T. GRCh37 (hg19) VCF-style: chr14-105181198-C-T.
Other names: c.3694+5C>T (NM_001031714.4).
Identifiers: ClinVar variation 1023936 (VCV001023936.6), dbSNP rs1890217788, ClinGen allele CA2160934107.
Genomic context (GRCh38, chr14:104,714,861, plus strand): 5'-GGCCTCAAAGGGGACCGGGAAGCGAAGGAAGAAGCGTCCCTCCAGGAGCCAGGAAGGTAA[C>T]TCAGGGAGGGGCCCCGGGCACCGTCCCACGCCAGGGCGCTGGCACCCAGCCGGTCCCTCC-3'

ClinVar aggregate classification (germline): Uncertain significance (1 of 4 stars; one submission).

Conditions:
Focal segmental glomerulosclerosis 5 (FSGS5). Identifiers: Orphanet 656, MedGen C2750475, MONDO:0013191, OMIM 613237.
Charcot-Marie-Tooth disease dominant intermediate E. Also called: CHARCOT-MARIE-TOOTH NEUROPATHY WITH FOCAL SEGMENTAL GLOMERULONEPHRITIS. Identifiers: Orphanet 93114, MedGen C4302667, MONDO:0013758, OMIM 614455.

Submission:

Labcorp Genetics (formerly Invitae), Labcorp
Classification: Uncertain significance for Charcot-Marie-Tooth disease dominant intermediate E; Focal segmental glomerulosclerosis 5. Last evaluated: 2022-12-05. Review status: criteria provided, single submitter. Criteria: Invitae Variant Classification Sherloc (09022015). Collection method: clinical testing. Allele origin: germline.
Comment: In summary, the available evidence is currently insufficient to determine the role of this variant in disease. Therefore, it has been classified as a Variant of Uncertain Significance. Variants that disrupt the consensus splice site are a relatively common cause of aberrant splicing (PMID: 17576681, 9536098). Algorithms developed to predict the effect of sequence changes on RNA splicing suggest that this variant is not likely to affect RNA splicing. ClinVar contains an entry for this variant (Variation ID: 1023936). This variant has not been reported in the literature in individuals affected with INF2-related conditions. This variant is not present in population databases (gnomAD no frequency). This sequence change falls in intron 21 of the INF2 gene. It does not directly change the encoded amino acid sequence of the INF2 protein. It affects a nucleotide within the consensus splice site.

Literature cited by the submitters: PubMed 17576681; PubMed 9536098.